The following is an entry in ClinVar:

NM_003239.5(TGFB3):c.164G>A (p.Ser55Asn)

Gene: TGFB3 (transforming growth factor beta 3; minus strand). Cytogenetic location: 14q24.3.
Variant type: single nucleotide variant.
Coding change: c.164G>A on transcript NM_003239.5 (MANE Select); coding-DNA position 164, G replaced by A.
Protein change: p.Ser55Asn; replaces serine 55 with asparagine.
Molecular consequence: missense variant.
Genome position (GRCh38, 1-based): chr14:75,980,730, C>T on the plus strand (G>A on the coding strand, the complement: TGFB3 is on the minus strand). VCF-style: chr14-75980730-C-T. GRCh37 (hg19) VCF-style: chr14-76447073-C-T.
Other names: p.Ser55Asn; c.164G>A, p.Ser55Asn (NM_001329938.2, NM_001329939.2); short protein forms S55N.
Identifiers: ClinVar variation 416061 (VCV000416061.31), dbSNP rs143229915, ClinGen allele CA7280505.
Genomic context (GRCh38, chr14:75,980,730, plus strand): 5'-CTGTTGTAAAGGGCCAGGACCTGATAGGGGACGTGGGTCATCACCGTTGGCTCAGGGGGG[C>T]TGGTGAGCCTGAGCTTGCTCAAGATCTGTCCCCTAATGGCTTCCACCCTCTTCTTCTTGA-3'
Protein context (NP_003230.1, residues 45-65): GQILSKLRLT[Ser55Asn]PPEPTVMTHV

ClinVar aggregate classification (germline): Conflicting classifications of pathogenicity. Review status: criteria provided, conflicting classifications (1 of 4 stars). 9 submissions from 9 submitters: Uncertain significance (1); Benign (1); Likely benign (7). Last evaluated 2025-12-24.

Conditions:
Rienhoff syndrome. Also called: LOEYS-DIETZ SYNDROME 5. Identifiers: MedGen C3810012, MONDO:0014262, OMIM 615582.
Cardiomyopathy (CMYO). Also called: Cardiomyopathies. Identifiers: Orphanet 167848, MedGen C0878544, MONDO:0004994, HP:0001638. Inheritance: Various modes of inheritance.
Familial thoracic aortic aneurysm and aortic dissection (TAAD). Also called: Thoracic aortic aneurysms and dissections. Identifiers: Orphanet 91387, MedGen C4707243, MONDO:0019625.

Allele frequency attached by ClinVar (database versions not stated): ESP Exome Variant Server 0.00092; gnomAD 0.00100; TOPMed 0.00118; 1000 Genomes Project 30x 0.00172; 1000 Genomes Project 0.00180.
gnomAD v4.1: 310 of 1,614,200 alleles (0.019%); highest among the groups gnomAD compares: African/African-American, 0.34%; 1 homozygote.

Submissions (9):

Labcorp Genetics (formerly Invitae), Labcorp
Classification: Likely benign for Rienhoff syndrome. Last evaluated: 2025-12-24. Review status: criteria provided, single submitter. Criteria: Invitae Variant Classification Sherloc (09022015). Collection method: clinical testing. Allele origin: germline.

Mayo Clinic Laboratories, Mayo Clinic
Classification: Likely benign. Last evaluated: 2025-05-07. Review status: criteria provided, single submitter. Criteria: ACMG Guidelines, 2015. Collection method: clinical testing. Allele origin: germline. Observed: 1 variant allele.
Comment: BS1, BP4

Blueprint Genetics
Classification: Likely benign. Last evaluated: 2024-03-19. Review status: criteria provided, single submitter. Criteria: ACMG Guidelines, 2015. Collection method: clinical testing. Allele origin: germline.

GeneDx
Classification: Likely benign. Last evaluated: 2022-10-14. Review status: criteria provided, single submitter. Criteria: GeneDx Variant Classification Process June 2021. Collection method: clinical testing. Allele origin: germline. Affected: yes.
Comment: See Variant Classification Assertion Criteria.

ARUP Laboratories, Molecular Genetics and Genomics, ARUP Laboratories
Classification: Likely benign. Last evaluated: 2020-03-18. Review status: criteria provided, single submitter. Criteria: ARUP Molecular Germline Variant Investigation Process. Collection method: clinical testing. Allele origin: germline.

Ambry Genetics
Classification: Likely benign for Familial thoracic aortic aneurysm and aortic dissection. Last evaluated: 2019-06-14. Review status: criteria provided, single submitter. Criteria: Ambry Variant Classification Scheme 2023. Collection method: clinical testing. Allele origin: germline.

Center for Advanced Laboratory Medicine, UC San Diego Health, University of California San Diego
Classification: Likely benign for Cardiomyopathy. Last evaluated: 2018-11-28. Review status: criteria provided, single submitter. Criteria: ACMG Guidelines, 2015. Collection method: clinical testing. Allele origin: germline. Affected: yes. Observed: 1 variant allele.

Women's Health and Genetics/Laboratory Corporation of America, LabCorp
Classification: Benign. Last evaluated: 2018-09-11. Review status: criteria provided, single submitter. Criteria: LabCorp Variant Classification Summary - May 2015. Collection method: clinical testing. Allele origin: germline.
Comment: Variant summary: TGFB3 c.164G>A (p.Ser55Asn) results in a conservative amino acid change located in the TGF-beta, propeptide domain of the encoded protein sequence. Three of five in-silico tools predict a benign effect of the variant on protein function. The variant allele was found at a frequency of 0.00043 in 277224 control chromosomes, predominantly within the African subpopulation at a frequency of 0.0042 in the gnomAD database. This frequency within African control individuals is approximately 168-fold above the estimated maximal expected allele frequency for a pathogenic variant in TGFB3 causing Cardiomyopathy phenotype (2.5e-05), strongly suggesting that the variant is a benign polymorphism found primarily in populations of African origin. c.164G>A has been reported in the literature in an individual affected with aortic root dilation, both parents carried the variant and were unaffected, supporting a benign role (Herrick_2017). Co-occurrence with a pathogenic variant has been observed by our lab (TTR c.424G>A, p.V142I), providing additional supporting evidence for a benign role. To our knowledge, no experimental evidence demonstrating an impact on protein function has been reported. Three ClinVar submissions from clinical diagnostic laboratories (evaluation after 2014) cite the variant twice as uncertain significance and once as likely benign. Based on the evidence outlined above, the variant was classified as benign.

CHEO Genetics Diagnostic Laboratory, Children's Hospital of Eastern Ontario
Classification: Uncertain significance for Familial thoracic aortic aneurysm and aortic dissection. Last evaluated: 2016-10-24. Review status: criteria provided, single submitter. Criteria: ACMG Guidelines, 2015. Collection method: clinical testing. Allele origin: germline. Study: Canadian Open Genetics Repository.

Literature cited by the submitters: PubMed 28240702 (cited by Women's Health and Genetics/Laboratory Corporation of America, LabCorp).